The following is an entry in ClinVar:

ClinVar aggregate classification (germline): Uncertain significance. Review status: criteria provided, multiple submitters, no conflicts (2 of 4 stars). 3 submissions from 3 submitters: Uncertain significance (3). Last evaluated 2023-12-27.

Conditions:
Donnai-Barrow syndrome. Also called: DBS/FOAR SYNDROME; FACIOOCULOACOUSTICORENAL SYNDROME. Identifiers: Orphanet 2143, MedGen C1857277, MONDO:0009104, OMIM 222448.

Allele frequency attached by ClinVar (database versions not stated): TOPMed 0.00002; ExAC 0.00004; gnomAD 0.00004; gnomAD exomes 0.00004 and 0.00005; ESP Exome Variant Server 0.00015; 1000 Genomes Project 0.00020; 1000 Genomes Project 30x 0.00031.
gnomAD v4.1: 76 of 1,614,052 alleles (0.0047%); highest among the groups gnomAD compares: Non-Finnish European, 0.0063%; no homozygotes.

Submissions (3):

Fulgent Genetics
Classification: Uncertain significance for Donnai-Barrow syndrome. Last evaluated: 2023-12-27. Review status: criteria provided, single submitter. Criteria: ACMG Guidelines, 2015. Collection method: clinical testing. Allele origin: germline.

Labcorp Genetics (formerly Invitae), Labcorp
Classification: Uncertain significance. Last evaluated: 2021-12-12. Review status: criteria provided, single submitter. Criteria: Invitae Variant Classification Sherloc (09022015). Collection method: clinical testing. Allele origin: germline.
Comment: This sequence change replaces leucine, which is neutral and non-polar, with phenylalanine, which is neutral and non-polar, at codon 3299 of the LRP2 protein (p.Leu3299Phe). This variant is present in population databases (rs143920714, gnomAD 0.008%). This variant has not been reported in the literature in individuals affected with LRP2-related conditions. ClinVar contains an entry for this variant (Variation ID: 893449). Advanced modeling of protein sequence and biophysical properties (such as structural, functional, and spatial information, amino acid conservation, physicochemical variation, residue mobility, and thermodynamic stability) performed at Invitae indicates that this missense variant is expected to disrupt LRP2 protein function. In summary, the available evidence is currently insufficient to determine the role of this variant in disease. Therefore, it has been classified as a Variant of Uncertain Significance.

Illumina Laboratory Services, Illumina
Classification: Uncertain significance for Donnai-Barrow syndrome. Last evaluated: 2018-01-13. Review status: criteria provided, single submitter. Criteria: ICSL Variant Classification Criteria 13 December 2019. Collection method: clinical testing. Allele origin: germline.

NM_004525.3(LRP2):c.9895C>T (p.Leu3299Phe)

Gene: LRP2 (LDL receptor related protein 2; minus strand). Cytogenetic location: 2q31.1.
Variant type: single nucleotide variant.
Coding change: c.9895C>T on transcript NM_004525.3 (MANE Select); coding-DNA position 9895, C replaced by T.
Protein change: p.Leu3299Phe; replaces leucine 3299 with phenylalanine.
Molecular consequence: missense variant.
Genome position (GRCh38, 1-based): chr2:169,182,270, G>A on the plus strand (C>T on the coding strand, the complement: LRP2 is on the minus strand). VCF-style: chr2-169182270-G-A. GRCh37 (hg19) VCF-style: chr2-170038780-G-A.
Other names: short protein forms L3299F.
Identifiers: ClinVar variation 893449 (VCV000893449.7), dbSNP rs143920714, ClinGen allele CA1953491.
Genomic context (GRCh38, chr2:169,182,270, plus strand): 5'-AGAAGGTGTTGTTGGCATCCACACAGTGCTGGGCCAGCATGCGGCGGTGTCCACCATTGA[G>A]GTCAGAGACAAAGAGGCCATCCAGGCGGGCATCCAACCAGTAGAGCTTTCTAAAATGGAG-3'
Protein context (NP_004516.2, residues 3289-3309): ARLDGLFVSD[Leu3299Phe]NGGHRRMLAQ